The following is an entry in ClinVar:

ClinVar aggregate classification (germline): Likely benign. Review status: criteria provided, multiple submitters, no conflicts (2 of 4 stars). 3 submissions from 3 submitters: Likely benign (3). Last evaluated 2025-12-24.

Allele frequency attached by ClinVar (database versions not stated): ExAC 0.00001; gnomAD 0.00001; gnomAD exomes 0.00001; TOPMed 0.00002.
gnomAD v4.1: 5 of 1,562,208 alleles (0.00032%); highest among the groups gnomAD compares: Admixed American, 0.0083%; no homozygotes.

Submissions (3):

Labcorp Genetics (formerly Invitae), Labcorp
Classification: Likely benign. Last evaluated: 2025-12-24. Review status: criteria provided, single submitter. Criteria: Invitae Variant Classification Sherloc (09022015). Collection method: clinical testing. Allele origin: germline.

Blueprint Genetics
Classification: Likely benign. Last evaluated: 2022-02-08. Review status: criteria provided, single submitter. Criteria: ACMG Guidelines, 2015. Collection method: clinical testing. Allele origin: germline.

GeneDx
Classification: Likely benign. Last evaluated: 2017-03-20. Review status: criteria provided, single submitter. Criteria: GeneDx Variant Classification (06012015). Collection method: clinical testing. Allele origin: germline. Affected: yes.
Comment: This variant is considered likely benign or benign based on one or more of the following criteria: it is a conservative change, it occurs at a poorly conserved position in the protein, it is predicted to be benign by multiple in silico algorithms, and/or has population frequency not consistent with disease.

NM_001854.4(COL11A1):c.990+11T>G

Gene: COL11A1 (collagen type XI alpha 1 chain; minus strand). Cytogenetic location: 1p21.1.
Variant type: single nucleotide variant.
Coding change: c.990+11T>G on transcript NM_001854.4 (MANE Select); 11 bases into the intron after coding-DNA position 990, T replaced by G.
Molecular consequence: intron variant.
Genome position (GRCh38, 1-based): chr1:103,025,510, A>C on the plus strand (T>G on the coding strand, the complement: COL11A1 is on the minus strand). VCF-style: chr1-103025510-A-C. GRCh37 (hg19) VCF-style: chr1-103491066-A-C.
Other names: c.873+11T>G (NM_001190709.2); c.1026+11T>G (NM_080629.3); c.897+706T>G (NM_080630.4).
Identifiers: ClinVar variation 517787 (VCV000517787.4), dbSNP rs750665036, ClinGen allele CA975172.